The following is an entry in ClinVar:

NM_001457.4(FLNB):c.3571G>A (p.Ala1191Thr)

Gene: FLNB (filamin B; plus strand). Cytogenetic location: 3p14.3.
Variant type: single nucleotide variant.
Coding change: c.3571G>A on transcript NM_001457.4 (MANE Select); coding-DNA position 3571, G replaced by A.
Protein change: p.Ala1191Thr; replaces alanine 1191 with threonine.
Molecular consequence: missense variant.
Genome position (GRCh38, 1-based): chr3:58,123,537, G>A. VCF-style: chr3-58123537-G-A. GRCh37 (hg19) VCF-style: chr3-58109264-G-A.
Other names: c.3571G>A, p.Ala1191Thr (NM_001164317.2, NM_001164318.2, NM_001164319.2); c.3571G>A (NM_001457.3); short protein forms A1191T.
Identifiers: ClinVar variation 2985397 (VCV002985397.4), dbSNP rs772573480, ClinGen allele CA2468444.
Genomic context (GRCh38, chr3:58,123,537, plus strand): 5'-GTCTCGGACTCGGGAACAAAAGCCGAAGTCAGTATTCAGAACAACAAAGATGGCACCTAC[G>A]CGGTGACCTACGTGCCCCTGACGGCCGGCATGTACACGTTGACCATGAAGTATGGTGGCG-3'
Protein context (NP_001448.2, residues 1181-1201): SIQNNKDGTY[Ala1191Thr]VTYVPLTAGM

ClinVar aggregate classification (germline): Uncertain significance. Review status: criteria provided, multiple submitters, no conflicts (2 of 4 stars). 2 submissions from 2 submitters: Uncertain significance (2). Last evaluated 2024-10-09.

Conditions:
Inborn genetic diseases. Identifiers: MedGen C0950123, MeSH D030342.

Allele frequency attached by ClinVar (database versions not stated): gnomAD 0.00001; gnomAD exomes 0.00001; ExAC 0.00003.
gnomAD v4.1: 17 of 1,607,128 alleles (0.0011%); highest among the groups gnomAD compares: East Asian, 0.0045%; no homozygotes.

Submissions (2):

Ambry Genetics
Classification: Uncertain significance for Inborn genetic diseases. Last evaluated: 2024-10-09. Review status: criteria provided, single submitter. Criteria: Ambry Variant Classification Scheme 2023. Collection method: clinical testing. Allele origin: germline.

Labcorp Genetics (formerly Invitae), Labcorp
Classification: Uncertain significance. Last evaluated: 2023-05-05. Review status: criteria provided, single submitter. Criteria: Invitae Variant Classification Sherloc (09022015). Collection method: clinical testing. Allele origin: germline.
Comment: In summary, the available evidence is currently insufficient to determine the role of this variant in disease. Therefore, it has been classified as a Variant of Uncertain Significance. Advanced modeling of protein sequence and biophysical properties (such as structural, functional, and spatial information, amino acid conservation, physicochemical variation, residue mobility, and thermodynamic stability) performed at Invitae indicates that this missense variant is not expected to disrupt FLNB protein function. This variant has not been reported in the literature in individuals affected with FLNB-related conditions. This variant is present in population databases (rs772573480, gnomAD 0.007%). This sequence change replaces alanine, which is neutral and non-polar, with threonine, which is neutral and polar, at codon 1191 of the FLNB protein (p.Ala1191Thr).